The following is an entry in ClinVar:

ClinVar aggregate classification (germline): Pathogenic. Review status: criteria provided, single submitter (1 of 4 stars). 2 submissions from 2 submitters: Pathogenic (1). 1 of the submissions does not count toward it. Last evaluated 2023-08-27.

Conditions:
Tuberous sclerosis syndrome (TSC). Also called: Tuberous Sclerosis Complex; Tuberous sclerosis. Identifiers: Orphanet 805, MedGen C0041341, MONDO:0001734.
Tuberous sclerosis 1 (TSC1). Identifiers: Orphanet 805, MedGen C1854465, MONDO:0008612, OMIM 191100.

Submissions (2):

Labcorp Genetics (formerly Invitae), Labcorp
Classification: Pathogenic for Tuberous sclerosis 1. Last evaluated: 2023-08-27. Review status: criteria provided, single submitter. Criteria: Invitae Variant Classification Sherloc (09022015). Collection method: clinical testing. Allele origin: germline.
Comment: ClinVar contains an entry for this variant (Variation ID: 48867). Disruption of this splice site has been observed in individuals with clinical features of tuberous sclerosis complex (PMID: 29432982; Invitae). This variant is not present in population databases (gnomAD no frequency). This sequence change affects an acceptor splice site in intron 15 of the TSC1 gene. It is expected to disrupt RNA splicing. Variants that disrupt the donor or acceptor splice site typically lead to a loss of protein function (PMID: 16199547), and loss-of-function variants in TSC1 are known to be pathogenic (PMID: 10227394, 17304050). For these reasons, this variant has been classified as Pathogenic. Algorithms developed to predict the effect of sequence changes on RNA splicing suggest that this variant may disrupt the consensus splice site.

Tuberous sclerosis database (TSC1)
No classification provided. Condition: TSC. Review status: no classification provided. Criteria: Tuberous Sclerosis Database Assertion Criteria 2015. Collection method: curation. Allele origin: germline. Affected: yes. Not counted in ClinVar's aggregate classification.

Literature cited by the submitters: PubMed 29432982 (cited by Labcorp Genetics (formerly Invitae), Labcorp); PubMed 16199547 (cited by Labcorp Genetics (formerly Invitae), Labcorp); PubMed 10227394 (cited by Labcorp Genetics (formerly Invitae), Labcorp); PubMed 17304050 (cited by Labcorp Genetics (formerly Invitae), Labcorp).

NM_000368.5(TSC1):c.1998-1G>C

Gene: TSC1 (TSC complex subunit 1; minus strand). Cytogenetic location: 9q34.13.
Variant type: single nucleotide variant.
Coding change: c.1998-1G>C on transcript NM_000368.5 (MANE Select); the canonical splice acceptor site of the intron before coding-DNA position 1998, G replaced by C.
Molecular consequence: splice acceptor variant.
Genome position (GRCh38, 1-based): chr9:132,904,455, C>G on the plus strand (G>C on the coding strand, the complement: TSC1 is on the minus strand). VCF-style: chr9-132904455-C-G. GRCh37 (hg19) VCF-style: chr9-135779842-C-G.
Other names: c.1632-1G>C (NM_001406620.1, NM_001406625.1, NM_001406621.1 and 2 more transcripts); c.1635-1G>C (NM_001406618.1, NM_001406617.1, NM_001406619.1 and 5 more transcripts); c.1842-1G>C (NM_001406613.1, NM_001406612.1, NM_001406611.1); c.1845-1G>C (NM_001406610.1, NM_001162427.2); c.1044-1G>C (NM_001406627.1, NM_001406628.1); c.945-1G>C (NM_001406629.1, NM_001406630.1); c.1995-1G>C (NM_001406603.1, NM_001406609.1, NM_001406597.1 and 6 more transcripts); c.1998-1G>C (NM_001406602.1, NM_001406606.1, NM_001406592.1 and 7 more transcripts); and 1 more.
Identifiers: ClinVar variation 48867 (VCV000048867.12), dbSNP rs118203614, ClinGen allele CA005737.